The following is an entry in ClinVar:

ClinVar aggregate classification (germline): Pathogenic (1 of 4 stars; one submission).

Conditions:
Pyruvate carboxylase deficiency. Also called: ATAXIA WITH LACTIC ACIDOSIS II; LEIGH NECROTIZING ENCEPHALOPATHY DUE TO PYRUVATE CARBOXYLASE DEFICIENCY; LEIGH SYNDROME DUE TO PYRUVATE CARBOXYLASE DEFICIENCY; PC DEFICIENCY; Pyruvate Carboxylase Deficiency Disease. Identifiers: Orphanet 3008, MedGen C0034341, MONDO:0009949, OMIM 266150.

Submission:

Myriad Genetics, Inc.
Classification: Pathogenic for Pyruvate carboxylase deficiency. Last evaluated: 2024-05-09. Review status: criteria provided, single submitter. Criteria: Myriad Autosomal Dominant, Autosomal Recessive and X-Linked Classification Criteria (2023). Collection method: clinical testing. Allele origin: unknown.
Comment: NM_000920.3(PC):c.1778_1779delAT(Y593Cfs*20) is expected to be pathogenic in the context of pyruvate carboxylase deficiency. This variant is predicted to lead to an abnormal or absent protein product due to the creation of a premature termination codon in PC, a gene where loss-of-function variants are known to be pathogenic. Please note: this variant was assessed in the context of healthy population screening.

NM_001040716.2(PC):c.1778_1779del (p.Tyr593fs)

Gene: PC (pyruvate carboxylase; minus strand). Cytogenetic location: 11q13.2.
Variant type: Deletion.
Coding change: c.1778_1779del on transcript NM_001040716.2 (MANE Select); coding-DNA positions 1778 to 1779, 2 bases deleted (AT; older notation c.1778_1779delAT).
Protein change: p.Tyr593fs; shifts the reading frame from tyrosine 593.
Molecular consequence: frameshift variant.
Genome position (GRCh38, 1-based): chr11:66,852,485-66,852,486, AT deleted on the plus strand (AT on the coding strand, the reverse complement: PC is on the minus strand); deleting any 2 consecutive bases within chr11:66,852,485-66,852,487 gives the same sequence; the c. name uses the placement nearest the transcript's 3' end. VCF-style (leftmost placement, unchanged base first): chr11-66852484-CAT-C. GRCh37 (hg19) VCF-style: chr11-66619955-CAT-C.
Other names: c.1778_1779del, p.Tyr593fs (NM_000920.4, NM_001439352.1, NM_001439353.1 and 5 more transcripts); short protein forms Y593fs.
Identifiers: ClinVar variation 5013026 (VCV005013026.1).